The following is an entry in ClinVar:

ClinVar aggregate classification (germline): Uncertain significance. Review status: criteria provided, multiple submitters, no conflicts (2 of 4 stars). 2 submissions from 2 submitters: Uncertain significance (2). Last evaluated 2025-11-04.

Conditions:
2-aminoadipic 2-oxoadipic aciduria (AAKAD). Also called: Aminoadipic aciduria; ALPHA-AMINOADIPIC AND ALPHA-KETOADIPIC ACIDURIA. Identifiers: Orphanet 79154, MedGen C1859817, MONDO:0008774, OMIM 204750.

Allele frequency attached by ClinVar (database versions not stated): gnomAD exomes below 0.00001; TOPMed below 0.00001; ExAC 0.00001; gnomAD 0.00001.
gnomAD v4.1: 2 of 1,614,006 alleles (0.00012%); highest among the groups gnomAD compares: African/African-American, 0.0013%; no homozygotes.

Submissions (2):

Labcorp Genetics (formerly Invitae), Labcorp
Classification: Uncertain significance for 2-aminoadipic 2-oxoadipic aciduria. Last evaluated: 2025-11-04. Review status: criteria provided, single submitter. Criteria: Invitae Variant Classification Sherloc (09022015). Collection method: clinical testing. Allele origin: germline.
Comment: This sequence change replaces valine, which is neutral and non-polar, with alanine, which is neutral and non-polar, at codon 93 of the DHTKD1 protein (p.Val93Ala). This variant is present in population databases (rs772184008, gnomAD 0.0009%). This variant has not been reported in the literature in individuals affected with DHTKD1-related conditions. ClinVar contains an entry for this variant (Variation ID: 2570765). Invitae Evidence Modeling of protein sequence and biophysical properties (such as structural, functional, and spatial information, amino acid conservation, physicochemical variation, residue mobility, and thermodynamic stability) indicates that this missense variant is not expected to disrupt DHTKD1 protein function with a negative predictive value of 80%. In summary, the available evidence is currently insufficient to determine the role of this variant in disease. Therefore, it has been classified as a Variant of Uncertain Significance.

CeGaT Center for Human Genetics Tuebingen
Classification: Uncertain significance. Last evaluated: 2023-05-01. Review status: criteria provided, single submitter. Criteria: CeGaT Center For Human Genetics Tuebingen Variant Classification Criteria Version 2. Collection method: clinical testing. Allele origin: germline. Affected: yes. Observed: 1 variant allele.
Comment: DHTKD1: PM2:Supporting, BP4

NM_018706.7(DHTKD1):c.278T>C (p.Val93Ala)

Gene: DHTKD1 (dehydrogenase E1 and transketolase domain containing 1; plus strand). Cytogenetic location: 10p14.
Variant type: single nucleotide variant.
Coding change: c.278T>C on transcript NM_018706.7 (MANE Select); coding-DNA position 278, T replaced by C.
Protein change: p.Val93Ala; replaces valine 93 with alanine.
Molecular consequence: missense variant.
Genome position (GRCh38, 1-based): chr10:12,081,595, T>C. VCF-style: chr10-12081595-T-C. GRCh37 (hg19) VCF-style: chr10-12123594-T-C.
Other names: short protein forms V93A.
Identifiers: ClinVar variation 2570765 (VCV002570765.29), dbSNP rs772184008, ClinGen allele CA5407487.